The following is an entry in ClinVar:

NM_024426.6(WT1):c.970G>T (p.Ala324Ser)

Gene: WT1 (WT1 transcription factor; minus strand). Cytogenetic location: 11p13.
Variant type: single nucleotide variant.
Coding change: c.970G>T on transcript NM_024426.6 (MANE Select); coding-DNA position 970, G replaced by T.
Protein change: p.Ala324Ser; replaces alanine 324 with serine.
Molecular consequence: missense variant. On other transcripts: non-coding transcript variant (1), intron variant (6).
Genome position (GRCh38, 1-based): chr11:32,416,536, C>A on the plus strand (G>T on the coding strand, the complement: WT1 is on the minus strand). VCF-style: chr11-32416536-C-A. GRCh37 (hg19) VCF-style: chr11-32438082-C-A.
Other names: c.955G>T (NM_024426.4); c.970G>T, p.Ala324Ser (NM_001407046.1, NM_024424.5, NM_001407044.1); c.847G>T, p.Ala283Ser (NM_001407047.1); c.208G>T, p.Ala70Ser (NM_001407051.1); c.842+1041G>T (NM_001407050.1); c.965+1041G>T (NM_001407048.1, NM_001407049.1, NM_000378.6 and 1 more transcripts); c.314+1041G>T (NM_001198552.2); c.319G>T, p.Ala107Ser (NM_001198551.2); short protein forms A107S, A283S, A319S, A324S, A70S.
Identifiers: ClinVar variation 2936720 (VCV002936720.4), dbSNP rs2494362556, ClinGen allele CA379961885.

ClinVar aggregate classification (germline): Conflicting classifications of pathogenicity. Review status: criteria provided, conflicting classifications (1 of 4 stars). 2 submissions from 2 submitters: Uncertain significance (1); Likely benign (1). Last evaluated 2026-07-22.

Conditions:
Inborn genetic diseases. Identifiers: MedGen C0950123, MeSH D030342.
Drash syndrome (DDS). Also called: NEPHROPATHY, WILMS TUMOR, AND GENITAL ANOMALIES; WILMS TUMOR AND PSEUDO- OR TRUE HERMAPHRODITISM. Identifiers: Orphanet 220, MedGen C0950121, MONDO:0008682, OMIM 194080.
Wilms tumor 1 (WT1). Also called: Wilms tumor, somatic. Identifiers: Orphanet 654, MedGen CN033288, MONDO:0008679, OMIM 194070.
11p partial monosomy syndrome (WAGR). Also called: WAGR Complex; WAGR Spectrum Disorder; CHROMOSOME 11p13 DELETION SYNDROME; WAGR syndrome. Identifiers: Orphanet 893, MedGen C0206115, MONDO:0008681, OMIM 194072.
Frasier syndrome. Identifiers: Orphanet 347, MedGen C0950122, MeSH D052159, MONDO:0007635, OMIM 136680.

Submissions (2):

Ambry Genetics
Classification: Likely benign for Inborn genetic diseases. Last evaluated: 2026-07-22. Review status: criteria provided, single submitter. Criteria: Ambry Variant Classification Scheme 2023. Collection method: clinical testing. Allele origin: germline.

Labcorp Genetics (formerly Invitae), Labcorp
Classification: Uncertain significance for Wilms tumor 1; Drash syndrome; 11p partial monosomy syndrome; Frasier syndrome. Last evaluated: 2022-11-23. Review status: criteria provided, single submitter. Criteria: Invitae Variant Classification Sherloc (09022015). Collection method: clinical testing. Allele origin: germline.
Comment: This variant is not present in population databases (gnomAD no frequency). In summary, the available evidence is currently insufficient to determine the role of this variant in disease. Therefore, it has been classified as a Variant of Uncertain Significance. Algorithms developed to predict the effect of missense changes on protein structure and function are either unavailable or do not agree on the potential impact of this missense change (SIFT: "Deleterious"; PolyPhen-2: "Benign"; Align-GVGD: "Class C0"). This variant has not been reported in the literature in individuals affected with WT1-related conditions. This sequence change replaces alanine, which is neutral and non-polar, with serine, which is neutral and polar, at codon 319 of the WT1 protein (p.Ala319Ser).